The following is an entry in ClinVar:

ClinVar aggregate classification (germline): Uncertain significance (1 of 4 stars; one submission).

Conditions:
Hereditary cancer-predisposing syndrome. Also called: Neoplastic Syndromes, Hereditary; Tumor predisposition; Hereditary neoplastic syndrome; Hereditary Cancer Syndrome. Identifiers: Orphanet 140162, MedGen C0027672, MeSH D009386, MONDO:0015356.

Submission:

Ambry Genetics
Classification: Uncertain significance for Hereditary cancer-predisposing syndrome. Last evaluated: 2024-01-19. Review status: criteria provided, single submitter. Criteria: Ambry Variant Classification Scheme 2023. Collection method: clinical testing. Allele origin: germline.
Comment: The p.L936F variant (also known as c.2808G>T), located in coding exon 8 of the PALB2 gene, results from a G to T substitution at nucleotide position 2808. The leucine at codon 936 is replaced by phenylalanine, an amino acid with highly similar properties. This amino acid position is conserved. In addition, the in silico prediction for this alteration is inconclusive. Based on the available evidence, the clinical significance of this alteration remains unclear.

NM_024675.4(PALB2):c.2808G>T (p.Leu936Phe)

Gene: PALB2 (partner and localizer of BRCA2; minus strand). Cytogenetic location: 16p12.2.
Variant type: single nucleotide variant.
Coding change: c.2808G>T on transcript NM_024675.4 (MANE Select); coding-DNA position 2808, G replaced by T.
Protein change: p.Leu936Phe; replaces leucine 936 with phenylalanine.
Molecular consequence: missense variant.
Genome position (GRCh38, 1-based): chr16:23,624,035, C>A on the plus strand (G>T on the coding strand, the complement: PALB2 is on the minus strand). VCF-style: chr16-23624035-C-A. GRCh37 (hg19) VCF-style: chr16-23635356-C-A.
Other names: c.2748G>T, p.Leu916Phe (NM_001407296.1); c.2736G>T, p.Leu912Phe (NM_001407297.1); c.2646G>T, p.Leu882Phe (NM_001407298.1, NM_001407302.1); c.2808G>T, p.Leu936Phe (NM_001407299.1, NM_001407300.1, NM_001407301.1); c.1923G>T, p.Leu641Phe (NM_001407304.1, NM_001407305.1, NM_001407306.1 and 4 more transcripts); c.1761G>T, p.Leu587Phe (NM_001407307.1); c.1020G>T, p.Leu340Phe (NM_001407312.1, NM_001407313.1); c.342G>T, p.Leu114Phe (NM_001407314.1); short protein forms L114F, L340F, L587F, L641F, L882F, L912F, L916F, L936F.
Identifiers: ClinVar variation 3228019 (VCV003228019.1), dbSNP rs2142343235, ClinGen allele CA395144929.
Genomic context (GRCh38, chr16:23,624,035, plus strand): 5'-AGGAAAAACAAATCACTCCTTGGGAATTACATACCTGATCTCTCTGATTTCCAAATTTCC[C>A]AAAGCTACACACACGAGATTATACACATCAGGCACTGGAACTATCTGTAATACTGGAACC-3'
Protein context (NP_078951.2, residues 926-946): PDVYNLVCVA[Leu936Phe]GNLEIREIRA